The following is an entry in ClinVar:

ClinVar aggregate classification (germline): Uncertain significance (1 of 4 stars; one submission).

Submission:

Labcorp Genetics (formerly Invitae), Labcorp
Classification: Uncertain significance. Last evaluated: 2023-08-10. Review status: criteria provided, single submitter. Criteria: Invitae Variant Classification Sherloc (09022015). Collection method: clinical testing. Allele origin: germline.
Comment: Advanced modeling of protein sequence and biophysical properties (such as structural, functional, and spatial information, amino acid conservation, physicochemical variation, residue mobility, and thermodynamic stability) has been performed at Invitae for this missense variant, however the output from this modeling did not meet the statistical confidence thresholds required to predict the impact of this variant on ATP2B2 protein function. In summary, the available evidence is currently insufficient to determine the role of this variant in disease. Therefore, it has been classified as a Variant of Uncertain Significance. ClinVar contains an entry for this variant (Variation ID: 2044957). This variant has not been reported in the literature in individuals affected with ATP2B2-related conditions. This variant is not present in population databases (gnomAD no frequency). This sequence change replaces tyrosine, which is neutral and polar, with histidine, which is basic and polar, at codon 424 of the ATP2B2 protein (p.Tyr424His).

NM_001001331.4(ATP2B2):c.1405T>C (p.Tyr469His)

Gene: ATP2B2 (ATPase plasma membrane Ca2+ transporting 2; minus strand). Cytogenetic location: 3p25.3.
Variant type: single nucleotide variant.
Coding change: c.1405T>C on transcript NM_001001331.4 (MANE Select); coding-DNA position 1405, T replaced by C.
Protein change: p.Tyr469His; replaces tyrosine 469 with histidine.
Molecular consequence: missense variant.
Genome position (GRCh38, 1-based): chr3:10,375,441, A>G on the plus strand (T>C on the coding strand, the complement: ATP2B2 is on the minus strand). VCF-style: chr3-10375441-A-G. GRCh37 (hg19) VCF-style: chr3-10417125-A-G.
Other names: c.1270T>C, p.Tyr424His (NM_001330611.3, NM_001353564.1, NM_001363862.1 and 1 more transcripts); short protein forms Y424H, Y469H.
Identifiers: ClinVar variation 2044957 (VCV002044957.4), dbSNP rs2470418802, ClinGen allele CA351784170.